The following is an entry in ClinVar:

ClinVar aggregate classification (germline): Conflicting classifications of pathogenicity. Review status: criteria provided, conflicting classifications (1 of 4 stars). 4 submissions from 4 submitters: Uncertain significance (3); Likely benign (1). Last evaluated 2025-01-21.

Conditions:
Treacher Collins syndrome 1 (TCS1). Also called: TCOF1-Related Treacher Collins Syndrome. Identifiers: Orphanet 861, MedGen CN315775, MONDO:0007944, OMIM 154500.
Inborn genetic diseases. Identifiers: MedGen C0950123, MeSH D030342.

Allele frequency attached by ClinVar (database versions not stated): TOPMed 0.00001; ExAC 0.00002; gnomAD exomes 0.00002.
gnomAD v4.1: 26 of 1,614,248 alleles (0.0016%); highest among the groups gnomAD compares: South Asian, 0.012%; no homozygotes.

Submissions (4):

Ambry Genetics
Classification: Likely benign for Inborn genetic diseases. Last evaluated: 2025-01-21. Review status: criteria provided, single submitter. Criteria: Ambry Variant Classification Scheme 2023. Collection method: clinical testing. Allele origin: germline.

GeneDx
Classification: Uncertain significance. Last evaluated: 2023-06-14. Review status: criteria provided, single submitter. Criteria: GeneDx Variant Classification Process June 2021. Collection method: clinical testing. Allele origin: germline. Affected: yes.
Comment: In silico analysis supports that this missense variant does not alter protein structure/function; Has not been previously published as pathogenic or benign to our knowledge

Labcorp Genetics (formerly Invitae), Labcorp
Classification: Uncertain significance for Treacher Collins syndrome 1. Last evaluated: 2022-09-27. Review status: criteria provided, single submitter. Criteria: Invitae Variant Classification Sherloc (09022015). Collection method: clinical testing. Allele origin: germline.
Comment: This sequence change replaces aspartic acid, which is acidic and polar, with asparagine, which is neutral and polar, at codon 1151 of the TCOF1 protein (p.Asp1151Asn). This variant is present in population databases (rs745852521, gnomAD 0.004%). This variant has not been reported in the literature in individuals affected with TCOF1-related conditions. Algorithms developed to predict the effect of missense changes on protein structure and function output the following: SIFT: "Tolerated"; PolyPhen-2: "Benign"; Align-GVGD: "Class C0". The asparagine amino acid residue is found in multiple mammalian species, which suggests that this missense change does not adversely affect protein function. In summary, the available evidence is currently insufficient to determine the role of this variant in disease. Therefore, it has been classified as a Variant of Uncertain Significance.

Revvity Omics, Revvity
Classification: Uncertain significance for Treacher Collins syndrome 1. Last evaluated: 2020-07-14. Review status: criteria provided, single submitter. Criteria: ACMG Guidelines, 2015. Collection method: clinical testing. Allele origin: germline.

NM_001371623.1(TCOF1):c.3451G>A (p.Asp1151Asn)

Gene: TCOF1 (treacle ribosome biogenesis factor 1; plus strand). Cytogenetic location: 5q32.
Variant type: single nucleotide variant.
Coding change: c.3451G>A on transcript NM_001371623.1 (MANE Select); coding-DNA position 3451, G replaced by A.
Protein change: p.Asp1151Asn; replaces aspartic acid 1151 with asparagine.
Molecular consequence: missense variant.
Genome position (GRCh38, 1-based): chr5:150,392,110, G>A. VCF-style: chr5-150392110-G-A. GRCh37 (hg19) VCF-style: chr5-149771673-G-A.
Other names: c.3451G>A (NM_001135243.1); c.3220G>A, p.Asp1074Asn (NM_000356.4, NM_001135245.2); c.3451G>A, p.Asp1151Asn (NM_001135243.2); c.3337G>A, p.Asp1113Asn (NM_001135244.2, NM_001195141.2); short protein forms D1151N, D1074N, D1113N.
Identifiers: ClinVar variation 1981420 (VCV001981420.9), dbSNP rs745852521, ClinGen allele CA3511502.